The following is an entry in ClinVar:

ClinVar aggregate classification (germline): Conflicting classifications of pathogenicity. Review status: criteria provided, conflicting classifications (1 of 4 stars). 5 submissions from 5 submitters: Uncertain significance (2); Likely benign (3). Last evaluated 2025-12-23.

Conditions:
Dilated cardiomyopathy 1AA (CMD1AA). Also called: CARDIOMYOPATHY, DILATED, 1AA, WITH OR WITHOUT LEFT VENTRICULAR NONCOMPACTION; CARDIOMYOPATHY, FAMILIAL HYPERTROPHIC, 23, WITH OR WITHOUT LEFT VENTRICULAR NONCOMPACTION; Cardiomyopathy, dilated, 1AA, with or without LVNC. Identifiers: Orphanet 154, MedGen C2677338, MONDO:0012808, OMIM 612158.
Primary familial hypertrophic cardiomyopathy (HCM). Identifiers: Orphanet 99739, MedGen C0949658, MeSH D024741, MONDO:0024573. Inheritance: Various modes of inheritance.
Cardiovascular phenotype. Identifiers: MedGen CN230736.

Allele frequency attached by ClinVar (database versions not stated): TOPMed 0.00009; gnomAD 0.00017 and 0.00018; ESP Exome Variant Server 0.00023.
gnomAD v4.1: 175 of 1,613,832 alleles (0.011%); highest among the groups gnomAD compares: Non-Finnish European, 0.014%; no homozygotes.

Submissions (5):

Labcorp Genetics (formerly Invitae), Labcorp
Classification: Likely benign for Primary familial hypertrophic cardiomyopathy; Dilated cardiomyopathy 1AA. Last evaluated: 2025-12-23. Review status: criteria provided, single submitter. Criteria: Invitae Variant Classification Sherloc (09022015). Collection method: clinical testing. Allele origin: germline.

Blueprint Genetics
Classification: Likely benign. Last evaluated: 2024-08-26. Review status: criteria provided, single submitter. Criteria: ACMG Guidelines, 2015. Collection method: clinical testing. Allele origin: germline.

GeneDx
Classification: Uncertain significance. Last evaluated: 2023-09-20. Review status: criteria provided, single submitter. Criteria: GeneDx Variant Classification Process June 2021. Collection method: clinical testing. Allele origin: germline. Affected: yes.
Comment: In silico analysis, which includes protein predictors and evolutionary conservation, supports a deleterious effect; Reported in association with hypertrophic cardiomyopathy (HCM) in published literature (Sepp et al., 2022); This variant is associated with the following publications: (PMID: 35626289)

Ambry Genetics
Classification: Likely benign for Cardiovascular phenotype. Last evaluated: 2020-10-06. Review status: criteria provided, single submitter. Criteria: Ambry Variant Classification Scheme 2023. Collection method: clinical testing. Allele origin: germline.

Illumina Laboratory Services, Illumina
Classification: Uncertain significance for Dilated cardiomyopathy 1AA. Last evaluated: 2018-01-13. Review status: criteria provided, single submitter. Criteria: ICSL Variant Classification Criteria 13 December 2019. Collection method: clinical testing. Allele origin: germline.

NM_001103.4(ACTN2):c.2677G>A (p.Asp893Asn)

Gene: ACTN2 (actinin alpha 2; plus strand). Cytogenetic location: 1q43.
Variant type: single nucleotide variant.
Coding change: c.2677G>A on transcript NM_001103.4 (MANE Select); coding-DNA position 2677, G replaced by A.
Protein change: p.Asp893Asn; replaces aspartic acid 893 with asparagine.
Molecular consequence: missense variant.
Genome position (GRCh38, 1-based): chr1:236,762,611, G>A. VCF-style: chr1-236762611-G-A. GRCh37 (hg19) VCF-style: chr1-236925911-G-A.
Other names: c.2677G>A, p.Asp893Asn (NM_001278343.2); c.2053G>A, p.Asp685Asn (NM_001278344.2); short protein forms D893N, D685N.
Identifiers: ClinVar variation 463208 (VCV000463208.23), dbSNP rs142646143, ClinGen allele CA1473513.